The following is an entry in ClinVar:

NM_001080421.3(UNC13A):c.3734C>G (p.Ser1245Cys)

Gene: UNC13A (unc-13 homolog A; minus strand). Cytogenetic location: 19p13.11.
Variant type: single nucleotide variant.
Coding change: c.3734C>G on transcript NM_001080421.3 (MANE Select); coding-DNA position 3734, C replaced by G.
Protein change: p.Ser1245Cys; replaces serine 1245 with cysteine.
Molecular consequence: missense variant.
Genome position (GRCh38, 1-based): chr19:17,629,259, G>C on the plus strand (C>G on the coding strand, the complement: UNC13A is on the minus strand). VCF-style: chr19-17629259-G-C. GRCh37 (hg19) VCF-style: chr19-17740068-G-C.
Other names: c.3728C>G, p.Ser1243Cys (NM_001387021.1, NM_001387022.1, NM_001387023.1); short protein forms S1243C, S1245C.
Identifiers: ClinVar variation 4088008 (VCV004088008.1).

ClinVar aggregate classification (germline): Uncertain significance (1 of 4 stars; one submission).

Submission:

GeneDx
Classification: Uncertain significance. Last evaluated: 2025-03-25. Review status: criteria provided, single submitter. Criteria: GeneDx Variant Classification Process June 2021. Collection method: clinical testing. Allele origin: germline. Affected: yes.
Comment: Not observed at significant frequency in large population cohorts (gnomAD); In silico analysis indicates that this missense variant does not alter protein structure/function; Has not been previously published as pathogenic or benign to our knowledge